The following is an entry in ClinVar:

NM_007129.5(ZIC2):c.1365AGCGGCGGCGGC[3] (p.Ala470_Val471insAlaAlaAlaAla)

Gene: ZIC2 (Zic family zinc finger 2; plus strand). Cytogenetic location: 13q32.3.
Variant type: Microsatellite.
Coding change: c.1365AGCGGCGGCGGC[3] on transcript NM_007129.5 (MANE Select); three copies in a row of the 12-base unit AGCGGCGGCGGC starting at c.1365; the reference has two copies in a row; one copy, 12 bases duplicated.
Protein change: p.Ala470_Val471insAlaAlaAlaAla.
Molecular consequence: inframe insertion.
Genome position (GRCh38, 1-based): chr13:99,985,460-99,985,471, AGCGGCGGCGGC duplicated; duplicating any 12 consecutive bases within chr13:99,985,447-99,985,471 gives the same sequence; the position shown is the placement nearest the transcript's 3' end. VCF-style (leftmost placement, unchanged base first): chr13-99985446-C-CCAGCGGCGGCGG. GRCh37 (hg19) VCF-style: chr13-100637700-C-CCAGCGGCGGCGG.
Identifiers: ClinVar variation 2891101 (VCV002891101.3), dbSNP rs755522720, ClinGen allele CA255397083.
Genomic context (GRCh38, chr13:99,985,446, plus strand): 5'-TCCACGCCCCCGGGGCTGGTGTCCCCCAGCGCCGAGCCCCAGAGCAGCTCCAACCTGTCC[C>CCAGCGGCGGCGG]CAGCGGCGGCGGCAGCGGCGGCGGCGGCTGCGGCGGCGGCGGCCGCGGTGTCCGCGGTGC-3'

ClinVar aggregate classification (germline): Uncertain significance (1 of 4 stars; one submission).

Conditions:
Holoprosencephaly 5 (HPE5). Identifiers: Orphanet 2162, MedGen C1864827, MONDO:0012322, OMIM 609637.

Submission:

Labcorp Genetics (formerly Invitae), Labcorp
Classification: Uncertain significance for Holoprosencephaly 5. Last evaluated: 2023-08-04. Review status: criteria provided, single submitter. Criteria: Invitae Variant Classification Sherloc (09022015). Collection method: clinical testing. Allele origin: germline.
Comment: This variant, c.1377_1388dup, results in the insertion of 4 amino acid(s) of the ZIC2 protein (p.Ala467_Ala470dup), but otherwise preserves the integrity of the reading frame. This variant is not present in population databases (gnomAD no frequency). This variant has not been reported in the literature in individuals affected with ZIC2-related conditions. Experimental studies and prediction algorithms are not available or were not evaluated, and the functional significance of this variant is currently unknown. In summary, the available evidence is currently insufficient to determine the role of this variant in disease. Therefore, it has been classified as a Variant of Uncertain Significance.